The following is an entry in ClinVar:

NM_001378452.1(ITPR1):c.6461C>T (p.Ala2154Val)

Gene: ITPR1 (inositol 1,4,5-trisphosphate receptor type 1; plus strand). Cytogenetic location: 3p26.1.
Variant type: single nucleotide variant.
Coding change: c.6461C>T on transcript NM_001378452.1 (MANE Select); coding-DNA position 6461, C replaced by T.
Protein change: p.Ala2154Val; replaces alanine 2154 with valine.
Molecular consequence: missense variant.
Genome position (GRCh38, 1-based): chr3:4,782,692, C>T. VCF-style: chr3-4782692-C-T. GRCh37 (hg19) VCF-style: chr3-4824376-C-T.
Other names: c.6317C>T, p.Ala2106Val (NM_001099952.4); c.6416C>T, p.Ala2139Val (NM_001168272.2); c.6272C>T, p.Ala2091Val (NM_002222.7); c.6272C>T (NM_002222.5); short protein forms A2139V, A2154V, A2091V, A2106V.
Identifiers: ClinVar variation 1914953 (VCV001914953.7), dbSNP rs372040946, ClinGen allele CA2232600.

ClinVar aggregate classification (germline): Uncertain significance. Review status: criteria provided, multiple submitters, no conflicts (2 of 4 stars). 3 submissions from 3 submitters: Uncertain significance (3). Last evaluated 2024-10-23.

Conditions:
Inborn genetic diseases. Identifiers: MedGen C0950123, MeSH D030342.

Allele frequency attached by ClinVar (database versions not stated): TOPMed 0.00001; gnomAD 0.00003; gnomAD exomes 0.00005; ExAC 0.00006; ESP Exome Variant Server 0.00008.
gnomAD v4.1: 75 of 1,598,068 alleles (0.0047%); highest among the groups gnomAD compares: East Asian, 0.0069%; no homozygotes.

Submissions (3):

Labcorp Genetics (formerly Invitae), Labcorp
Classification: Uncertain significance. Last evaluated: 2024-10-23. Review status: criteria provided, single submitter. Criteria: Invitae Variant Classification Sherloc (09022015). Collection method: clinical testing. Allele origin: germline.
Comment: This sequence change replaces alanine, which is neutral and non-polar, with valine, which is neutral and non-polar, at codon 2091 of the ITPR1 protein (p.Ala2091Val). This variant is present in population databases (rs372040946, gnomAD 0.01%). This variant has not been reported in the literature in individuals affected with ITPR1-related conditions. ClinVar contains an entry for this variant (Variation ID: 1914953). An algorithm developed to predict the effect of missense changes on protein structure and function (PolyPhen-2) suggests that this variant is likely to be tolerated. In summary, the available evidence is currently insufficient to determine the role of this variant in disease. Therefore, it has been classified as a Variant of Uncertain Significance.

Ambry Genetics
Classification: Uncertain significance for Inborn genetic diseases. Last evaluated: 2024-06-07. Review status: criteria provided, single submitter. Criteria: Ambry Variant Classification Scheme 2023. Collection method: clinical testing. Allele origin: germline.

GeneDx
Classification: Uncertain significance. Last evaluated: 2023-08-07. Review status: criteria provided, single submitter. Criteria: GeneDx Variant Classification Process June 2021. Collection method: clinical testing. Allele origin: germline. Affected: yes.
Comment: In silico analysis supports that this missense variant does not alter protein structure/function; Has not been previously published as pathogenic or benign to our knowledge